The following is an entry in ClinVar:

ClinVar aggregate classification (germline): Likely benign (1 of 4 stars; one submission).

Conditions:
EPG5-related disorder. Also called: EPG5-related condition. Identifiers: MedGen CN381528.

Submission:

PreventionGenetics, part of Exact Sciences
Classification: Likely benign for EPG5-related condition. Last evaluated: 2026-08-21. Review status: criteria provided, single submitter. Criteria: ACMG Guidelines, 2015. Collection method: clinical testing. Allele origin: germline.
Comment: This variant is classified as likely benign based on ACMG/AMP sequence variant interpretation guidelines (Richards et al. 2015 PMID: 25741868, with internal and published modifications).

NM_020964.3(EPG5):c.3984-10_3984-9insC

Gene: EPG5 (ectopic P-granules 5 autophagy tethering factor; minus strand). Cytogenetic location: 18q21.1.
Variant type: Insertion.
Coding change: c.3984-10_3984-9insC on transcript NM_020964.3 (MANE Select); 10 bases into the intron before coding-DNA position 3984 through 9 bases into the intron before coding-DNA position 3984, C inserted.
Molecular consequence: intron variant.
Genome position: GRCh38 VCF-style: chr18-45910751-A-AG. GRCh37 (hg19) VCF-style: chr18-43490716-A-AG.
Other names: c.3984-10_3984-9insC (NM_001410858.1, NM_001410859.1).
Identifiers: ClinVar variation 4984104 (VCV004984104.1).